The following is an entry in ClinVar:

ClinVar aggregate classification (germline): Uncertain significance (1 of 4 stars; one submission).

Conditions:
Werner syndrome (WRN). Identifiers: Orphanet 902, MedGen C0043119, MONDO:0010196, OMIM 277700.

Allele frequency attached by ClinVar (database versions not stated): gnomAD exomes below 0.00001.
gnomAD v4.1: 1 of 1,612,142 alleles (0.000062%); highest among the groups gnomAD compares: Non-Finnish European, 0.000085%; no homozygotes.

Submission:

Labcorp Genetics (formerly Invitae), Labcorp
Classification: Uncertain significance for Werner syndrome. Last evaluated: 2022-05-07. Review status: criteria provided, single submitter. Criteria: Invitae Variant Classification Sherloc (09022015). Collection method: clinical testing. Allele origin: germline.
Comment: This variant has not been reported in the literature in individuals affected with WRN-related conditions. Algorithms developed to predict the effect of missense changes on protein structure and function are either unavailable or do not agree on the potential impact of this missense change (SIFT: "Not Available"; PolyPhen-2: "Probably Damaging"; Align-GVGD: "Not Available"). In summary, the available evidence is currently insufficient to determine the role of this variant in disease. Therefore, it has been classified as a Variant of Uncertain Significance. This variant is not present in population databases (gnomAD no frequency). This sequence change replaces lysine, which is basic and polar, with glutamine, which is neutral and polar, at codon 555 of the WRN protein (p.Lys555Gln).

NM_000553.6(WRN):c.1663A>C (p.Lys555Gln)

Gene: WRN (WRN RecQ like helicase; plus strand). Cytogenetic location: 8p12.
Variant type: single nucleotide variant.
Coding change: c.1663A>C on transcript NM_000553.6 (MANE Select); coding-DNA position 1663, A replaced by C.
Protein change: p.Lys555Gln; replaces lysine 555 with glutamine.
Molecular consequence: missense variant.
Genome position (GRCh38, 1-based): chr8:31,090,475, A>C. VCF-style: chr8-31090475-A-C. GRCh37 (hg19) VCF-style: chr8-30947991-A-C.
Other names: short protein forms K555Q.
Identifiers: ClinVar variation 2135282 (VCV002135282.4), dbSNP rs2535930190, ClinGen allele CA370926795.